The following is an entry in ClinVar:

ClinVar aggregate classification (germline): Uncertain significance (1 of 4 stars; one submission).

Conditions:
Hereditary cancer-predisposing syndrome. Also called: Hereditary Cancer Syndrome; Neoplastic Syndromes, Hereditary; Tumor predisposition; Hereditary neoplastic syndrome. Identifiers: Orphanet 140162, MedGen C0027672, MeSH D009386, MONDO:0015356.

gnomAD v4.1: 1 of 1,614,166 alleles (0.000062%); highest among the groups gnomAD compares: African/African-American, 0.0013%; no homozygotes.

Submission:

Ambry Genetics
Classification: Uncertain significance for Hereditary cancer-predisposing syndrome. Last evaluated: 2026-07-30. Review status: criteria provided, single submitter. Criteria: Ambry Variant Classification Scheme 2023. Collection method: clinical testing. Allele origin: germline.
Comment: The p.V651L variant (also known as c.1951G>T), located in coding exon 17 of the EGFR gene, results from a G to T substitution at nucleotide position 1951. The valine at codon 651 is replaced by leucine, an amino acid with highly similar properties. This amino acid position is highly conserved in available vertebrate species. In addition, the in silico prediction for this alteration is inconclusive. Based on the available evidence, the clinical significance of this variant remains unclear.

NM_005228.5(EGFR):c.1951G>T (p.Val651Leu)

Gene: EGFR (epidermal growth factor receptor; plus strand). Cytogenetic location: 7p11.2.
Variant type: single nucleotide variant.
Coding change: c.1951G>T on transcript NM_005228.5 (MANE Select); coding-DNA position 1951, G replaced by T.
Protein change: p.Val651Leu; replaces valine 651 with leucine.
Molecular consequence: missense variant.
Genome position (GRCh38, 1-based): chr7:55,173,014, G>T. VCF-style: chr7-55173014-G-T. GRCh37 (hg19) VCF-style: chr7-55240707-G-T.
Other names: c.1816G>T, p.Val606Leu (NM_001346897.2, NM_001346899.2); c.1951G>T, p.Val651Leu (NM_001346898.2); c.1792G>T, p.Val598Leu (NM_001346900.2); c.1150G>T, p.Val384Leu (NM_001346941.2); short protein forms V651L, V384L, V606L, V598L.
Identifiers: ClinVar variation 5035808 (VCV005035808.1).